The following is an entry in ClinVar:

NM_138348.6(OTULIN):c.153-55C>T

Gene: OTULIN (OTU deubiquitinase with linear linkage specificity; plus strand). Cytogenetic location: 5p15.2.
Variant type: single nucleotide variant.
Coding change: c.153-55C>T on transcript NM_138348.6 (MANE Select); 55 bases into the intron before coding-DNA position 153, C replaced by T.
Molecular consequence: intron variant.
Genome position (GRCh38, 1-based): chr5:14,673,587, C>T. VCF-style: chr5-14673587-C-T. GRCh37 (hg19) VCF-style: chr5-14673696-C-T.
Identifiers: ClinVar variation 2628256 (VCV002628256.2), dbSNP rs16903631, ClinGen allele CA12149790.
Genomic context (GRCh38, chr5:14,673,587, plus strand): 5'-AAAGTGAAAAAAGTTAAACCCTTAGTATATTATGCATTTGTAAGCAGCTGTATAATAGGA[C>T]GGAAAATGTCAGTGCAACAAGTGTTTGAAAATGTCTGCTTTGGTGTAATTTCAGTGAGGA-3'

ClinVar aggregate classification (germline): Benign (1 of 4 stars; one submission).

Allele frequency attached by ClinVar (database versions not stated): ESP Exome Variant Server 0.09834; TOPMed 0.11615; gnomAD 0.11760; gnomAD exomes 0.12546; 1000 Genomes Project 30x 0.16615; 1000 Genomes Project 0.17372.
gnomAD v4.1: 190,359 of 1,522,076 alleles (13%); highest among the groups gnomAD compares: East Asian, 42%; 14,500 homozygotes.

Submission:

Unidad de Genómica Garrahan, Hospital de Pediatría Garrahan
Classification: Benign. Last evaluated: 2023-11-12. Review status: criteria provided, single submitter. Criteria: ACMG Guidelines, 2015. Collection method: clinical testing. Allele origin: germline. Affected: no. Observed: 25 variant alleles.
Comment: This variant is classified as Benign based on local population frequency. This variant was detected in 26% of patients studied by a panel of primary immunodeficiencies. Number of patients: 25. Only high quality variants are reported.